The following is an entry in ClinVar:

ClinVar aggregate classification (germline): Benign (0 of 4 stars; one submission).

Conditions:
Severely weakened expression of B on erythrocytes.

Submission:

Division of Hematology and Transfusion Medicine, Lund University
Classification: Benign for Severely weakened expression of B on erythrocytes. Last evaluated: 2023-07-12. Review status: no assertion criteria provided. Collection method: clinical testing. Allele origin: somatic. Affected: yes. Observed: 1 variant allele.
Comment: c.15dup resulting in p.Arg6Alafs*51 on the ABO*B.01 allele (AB844269.1).

NM_020469.3(ABO):c.[15dup;297A>C526C>G657C>T703G>A796C>A803G>C930G>A]

Variant type: Haplotype.
Identifiers: ClinVar variation 2573153 (VCV002573153.1).